The following is an entry in ClinVar:

NM_001365999.1(SZT2):c.1619C>G (p.Thr540Ser)

Gene: SZT2 (SZT2 subunit of KICSTOR complex; plus strand). Cytogenetic location: 1p34.2.
Variant type: single nucleotide variant.
Coding change: c.1619C>G on transcript NM_001365999.1 (MANE Select); coding-DNA position 1619, C replaced by G.
Protein change: p.Thr540Ser; replaces threonine 540 with serine.
Molecular consequence: missense variant.
Genome position (GRCh38, 1-based): chr1:43,421,296, C>G. VCF-style: chr1-43421296-C-G. GRCh37 (hg19) VCF-style: chr1-43886967-C-G.
Other names: c.1619C>G, p.Thr540Ser (NM_015284.4); short protein forms T540S.
Identifiers: ClinVar variation 2001356 (VCV002001356.4), dbSNP rs2545803649, ClinGen allele CA340008385.
Genomic context (GRCh38, chr1:43,421,296, plus strand): 5'-TCACGCTTCCTGACAGCACCAAGAGCGGAGTGCCACTCTTCTACATCCCTCCAGGCTCCA[C>G]CACCCCGGTGAGTAGCTCTGAAGTATAGTAGCCCCATTTCATGTCAACTTGGGTTGCACA-3'
Protein context (NP_001352928.1, residues 530-550): VPLFYIPPGS[Thr540Ser]TPVLSLQPSG

ClinVar aggregate classification (germline): Uncertain significance (1 of 4 stars; one submission).

Allele frequency attached by ClinVar (database versions not stated): gnomAD exomes below 0.00001.
gnomAD v4.1: 2 of 1,598,504 alleles (0.00013%); highest among the groups gnomAD compares: Admixed American, 0.0033%; no homozygotes.

Submission:

Labcorp Genetics (formerly Invitae), Labcorp
Classification: Uncertain significance. Last evaluated: 2022-03-13. Review status: criteria provided, single submitter. Criteria: Invitae Variant Classification Sherloc (09022015). Collection method: clinical testing. Allele origin: germline.
Comment: Algorithms developed to predict the effect of missense changes on protein structure and function output the following: SIFT: "Tolerated"; PolyPhen-2: "Benign"; Align-GVGD: "Class C0". The serine amino acid residue is found in multiple mammalian species, which suggests that this missense change does not adversely affect protein function. In summary, the available evidence is currently insufficient to determine the role of this variant in disease. Therefore, it has been classified as a Variant of Uncertain Significance. This variant has not been reported in the literature in individuals affected with SZT2-related conditions. This variant is not present in population databases (gnomAD no frequency). This sequence change replaces threonine, which is neutral and polar, with serine, which is neutral and polar, at codon 540 of the SZT2 protein (p.Thr540Ser).